The following is an entry in ClinVar:

ClinVar aggregate classification (germline): Likely benign. Review status: criteria provided, multiple submitters, no conflicts (2 of 4 stars). 3 submissions from 3 submitters: Likely benign (3). Last evaluated 2025-02-02.

Allele frequency attached by ClinVar (database versions not stated): gnomAD exomes below 0.00001; ExAC 0.00002; gnomAD 0.00002; TOPMed 0.00002.
gnomAD v4.1: 10 of 1,614,050 alleles (0.00062%); highest among the groups gnomAD compares: Middle Eastern, 0.016%; no homozygotes.

Submissions (3):

Labcorp Genetics (formerly Invitae), Labcorp
Classification: Likely benign. Last evaluated: 2025-02-02. Review status: criteria provided, single submitter. Criteria: Invitae Variant Classification Sherloc (09022015). Collection method: clinical testing. Allele origin: germline.

CeGaT Center for Human Genetics Tuebingen
Classification: Likely benign. Last evaluated: 2023-07-01. Review status: criteria provided, single submitter. Criteria: CeGaT Center For Human Genetics Tuebingen Variant Classification Criteria Version 2. Collection method: clinical testing. Allele origin: germline. Affected: yes. Observed: 1 variant allele.
Comment: ROR2: BP4, BP7

Blueprint Genetics
Classification: Likely benign. Last evaluated: 2021-10-06. Review status: criteria provided, single submitter. Criteria: ACMG Guidelines, 2015. Collection method: clinical testing. Allele origin: germline.

NM_004560.4(ROR2):c.1086C>T (p.His362=)

Gene: ROR2 (ROR family WNT receptor 2; minus strand). Cytogenetic location: 9q22.31.
Variant type: single nucleotide variant.
Coding change: c.1086C>T on transcript NM_004560.4 (MANE Select); coding-DNA position 1086, C replaced by T.
Protein change: p.His362=; no amino-acid change (histidine 362 retained).
Molecular consequence: synonymous variant.
Genome position (GRCh38, 1-based): chr9:91,731,007, G>A on the plus strand (C>T on the coding strand, the complement: ROR2 is on the minus strand). VCF-style: chr9-91731007-G-A. GRCh37 (hg19) VCF-style: chr9-94493289-G-A.
Other names: c.1086C>T, p.His362= (NM_001318204.2).
Identifiers: ClinVar variation 1906606 (VCV001906606.31), dbSNP rs755185431, ClinGen allele CA5120803.